The following is an entry in ClinVar:

ClinVar aggregate classification (germline): Likely benign. Review status: criteria provided, single submitter (1 of 4 stars). 2 submissions from 2 submitters: Likely benign (1). 1 of the submissions does not count toward it. Last evaluated 2024-10-23.

Conditions:
RNASEL-related disorder. Also called: RNASEL-related condition.

Allele frequency attached by ClinVar (database versions not stated): ExAC 0.00033; gnomAD 0.00125; ESP Exome Variant Server 0.00138; 1000 Genomes Project 30x 0.00141; TOPMed 0.00158; 1000 Genomes Project 0.00160.

Submissions (2):

Blueprint Genetics
Classification: Likely benign. Last evaluated: 2024-10-23. Review status: criteria provided, single submitter. Criteria: ACMG Guidelines, 2015. Collection method: clinical testing. Allele origin: germline.

PreventionGenetics, part of Exact Sciences
Classification: Benign for RNASEL-related condition. Last evaluated: 2019-08-12. Review status: no assertion criteria provided. Collection method: clinical testing. Allele origin: germline. Not counted in ClinVar's aggregate classification.
Comment: This variant is classified as benign based on ACMG/AMP sequence variant interpretation guidelines (Richards et al. 2015 PMID: 25741868, with internal and published modifications).

NM_021133.4(RNASEL):c.666G>A (p.Thr222=)

Gene: RNASEL (ribonuclease L; minus strand). Cytogenetic location: 1q25.3.
Variant type: single nucleotide variant.
Coding change: c.666G>A on transcript NM_021133.4 (MANE Select); coding-DNA position 666, G replaced by A.
Protein change: p.Thr222=; no amino-acid change (threonine 222 retained).
Molecular consequence: synonymous variant.
Genome position (GRCh38, 1-based): chr1:182,586,141, C>T on the plus strand (G>A on the coding strand, the complement: RNASEL is on the minus strand). VCF-style: chr1-182586141-C-T. GRCh37 (hg19) VCF-style: chr1-182555276-C-T.
Identifiers: ClinVar variation 3035608 (VCV003035608.3), dbSNP rs141997272, ClinGen allele CA1278235.
Genomic context (GRCh38, chr1:182,586,141, plus strand): 5'-GGGAGTCTTCCCTCTTTCTCCCCTCACATTGACATCAGCCCCATGGTCCAGCAGCAGATG[C>T]GTAATAGCCTCCACATCACTATCGTCAGAGCTCAGGAGAGCATGGATCAAGGCATTTCTG-3'
Protein context (NP_066956.1, residues 212-232): SSDDSDVEAI[Thr222=]HLLLDHGADV